The following is an entry in ClinVar:

NM_138713.4(NFAT5):c.4369T>C (p.Ser1457Pro)

Gene: NFAT5 (nuclear factor of activated T cells 5; plus strand). Cytogenetic location: 16q22.1.
Variant type: single nucleotide variant.
Coding change: c.4369T>C on transcript NM_138713.4 (MANE Select); coding-DNA position 4369, T replaced by C.
Protein change: p.Ser1457Pro; replaces serine 1457 with proline.
Molecular consequence: missense variant.
Genome position (GRCh38, 1-based): chr16:69,694,194, T>C. VCF-style: chr16-69694194-T-C. GRCh37 (hg19) VCF-style: chr16-69728097-T-C.
Other names: c.4369T>C (NM_138713.3); c.4366T>C, p.Ser1456Pro (NM_001113178.3); c.3694T>C, p.Ser1232Pro (NM_001367709.1); c.4315T>C, p.Ser1439Pro (NM_006599.4); c.4087T>C, p.Ser1363Pro (NM_138714.4, NM_173214.3, NM_173215.3); short protein forms S1232P, S1456P, S1457P, S1363P, S1439P.
Identifiers: ClinVar variation 1488428 (VCV001488428.9), dbSNP rs1021178399, ClinGen allele CA283374728.
Genomic context (GRCh38, chr16:69,694,194, plus strand): 5'-GCTACTTTATTTCACAACACAGCAGGAGGCACAATGAACCAACTGCAGAATTCTCCTGGC[T>C]CATCTCAGCAGACATCAGGAATGTTCTTATTTGGCATTCAAAATAGTAAGAAACTCTAAT-3'
Protein context (NP_619727.2, residues 1447-1467): TMNQLQNSPG[Ser1457Pro]SQQTSGMFLF

ClinVar aggregate classification (germline): Uncertain significance. Review status: criteria provided, multiple submitters, no conflicts (2 of 4 stars). 2 submissions from 2 submitters: Uncertain significance (2). Last evaluated 2025-05-19.

Conditions:
Immunodeficiency. Identifiers: MedGen C0021051, MONDO:0021094, HP:0002721.

Allele frequency attached by ClinVar (database versions not stated): gnomAD exomes below 0.00001 and 0.00001; TOPMed 0.00001.
gnomAD v4.1: 11 of 1,614,086 alleles (0.00068%); highest among the groups gnomAD compares: Non-Finnish European, 0.00093%; no homozygotes.

Submissions (2):

Labcorp Genetics (formerly Invitae), Labcorp
Classification: Uncertain significance for Immunodeficiency. Last evaluated: 2025-05-19. Review status: criteria provided, single submitter. Criteria: Invitae Variant Classification Sherloc (09022015). Collection method: clinical testing. Allele origin: germline.
Comment: This sequence change replaces serine, which is neutral and polar, with proline, which is neutral and non-polar, at codon 1363 of the NFAT5 protein (p.Ser1363Pro). This variant is present in population databases (no rsID available, gnomAD 0.0009%). This variant has not been reported in the literature in individuals affected with NFAT5-related conditions. ClinVar contains an entry for this variant (Variation ID: 1488428). An algorithm developed to predict the effect of missense changes on protein structure and function (PolyPhen-2) suggests that this variant is likely to be disruptive. In summary, the available evidence is currently insufficient to determine the role of this variant in disease. Therefore, it has been classified as a Variant of Uncertain Significance.

Ambry Genetics
Classification: Uncertain significance. Last evaluated: 2021-06-11. Review status: criteria provided, single submitter. Criteria: Ambry Variant Classification Scheme 2023. Collection method: clinical testing. Allele origin: germline.